The following is an entry in ClinVar:

NM_001379200.1(TBX1):c.884T>C (p.Ile295Thr)

Gene: TBX1 (T-box transcription factor 1; plus strand). Cytogenetic location: 22q11.21.
Variant type: single nucleotide variant.
Coding change: c.884T>C on transcript NM_001379200.1 (MANE Select); coding-DNA position 884, T replaced by C.
Protein change: p.Ile295Thr; replaces isoleucine 295 with threonine.
Molecular consequence: missense variant.
Genome position (GRCh38, 1-based): chr22:19,765,774, T>C. VCF-style: chr22-19765774-T-C. GRCh37 (hg19) VCF-style: chr22-19753297-T-C.
Other names: c.857T>C, p.Ile286Thr (NM_005992.1, NM_080646.2, NM_080647.1); short protein forms I286T, I295T.
Identifiers: ClinVar variation 2865222 (VCV002865222.3), dbSNP rs776751131, ClinGen allele CA10102606.

ClinVar aggregate classification (germline): Uncertain significance (1 of 4 stars; one submission).

Conditions:
DiGeorge syndrome. Also called: THIRD AND FOURTH PHARYNGEAL POUCH SYNDROME; Catch22. Identifiers: Orphanet 567, MedGen C0012236, MONDO:0008564, OMIM 188400.

Allele frequency attached by ClinVar (database versions not stated): gnomAD exomes below 0.00001; ExAC 0.00001.
gnomAD v4.1: 1 of 1,611,946 alleles (0.000062%); highest among the groups gnomAD compares: East Asian, 0.0022%; no homozygotes.

Submission:

Labcorp Genetics (formerly Invitae), Labcorp
Classification: Uncertain significance for DiGeorge syndrome. Last evaluated: 2023-05-20. Review status: criteria provided, single submitter. Criteria: Invitae Variant Classification Sherloc (09022015). Collection method: clinical testing. Allele origin: germline.
Comment: In summary, the available evidence is currently insufficient to determine the role of this variant in disease. Therefore, it has been classified as a Variant of Uncertain Significance. Advanced modeling of protein sequence and biophysical properties (such as structural, functional, and spatial information, amino acid conservation, physicochemical variation, residue mobility, and thermodynamic stability) performed at Invitae indicates that this missense variant is expected to disrupt TBX1 protein function. This variant has not been reported in the literature in individuals affected with TBX1-related conditions. This variant is present in population databases (rs776751131, gnomAD 0.006%). This sequence change replaces isoleucine, which is neutral and non-polar, with threonine, which is neutral and polar, at codon 286 of the TBX1 protein (p.Ile286Thr).